The following is an entry in ClinVar:

NM_000492.4(CFTR):c.4013T>A (p.Val1338Asp)

Gene: CFTR (CF transmembrane conductance regulator; plus strand). Cytogenetic location: 7q31.2.
Variant type: single nucleotide variant.
Coding change: c.4013T>A on transcript NM_000492.4 (MANE Select); coding-DNA position 4013, T replaced by A.
Protein change: p.Val1338Asp; replaces valine 1338 with aspartic acid.
Molecular consequence: missense variant.
Genome position (GRCh38, 1-based): chr7:117,664,737, T>A. VCF-style: chr7-117664737-T-A. GRCh37 (hg19) VCF-style: chr7-117304791-T-A.
Other names: short protein forms V1338D.
Identifiers: ClinVar variation 4227434 (VCV004227434.1).

ClinVar aggregate classification (germline): Uncertain significance (1 of 4 stars; one submission).

Conditions:
Cystic fibrosis (CF). Also called: MUCOVISCIDOSIS. Identifiers: Orphanet 586, MedGen C0010674, MONDO:0009061, OMIM 219700. Disease mechanism: loss of function.

Submission:

Ambry Genetics
Classification: Uncertain significance for Cystic fibrosis. Last evaluated: 2025-08-19. Review status: criteria provided, single submitter. Criteria: Ambry Variant Classification Scheme 2023. Collection method: clinical testing. Allele origin: germline.
Comment: The p.V1338D variant (also known as c.4013T>A), located in coding exon 25 of the CFTR gene, results from a T to A substitution at nucleotide position 4013. The valine at codon 1338 is replaced by aspartic acid, an amino acid with highly dissimilar properties. This amino acid position is conserved. In addition, the in silico prediction for this alteration is inconclusive. Based on the available evidence, the clinical significance of this variant remains unclear.